The following is an entry in ClinVar:

ClinVar aggregate classification (germline): Uncertain significance (1 of 4 stars; one submission).

Submission:

Labcorp Genetics (formerly Invitae), Labcorp
Classification: Uncertain significance. Last evaluated: 2025-09-03. Review status: criteria provided, single submitter. Criteria: Invitae Variant Classification Sherloc (09022015). Collection method: clinical testing. Allele origin: germline.
Comment: This sequence change replaces methionine, which is neutral and non-polar, with valine, which is neutral and non-polar, at codon 726 of the WDR87 protein (p.Met726Val). This variant is not present in population databases (gnomAD no frequency). This variant has not been reported in the literature in individuals affected with WDR87-related conditions. An algorithm developed to predict the effect of missense changes on protein structure and function (PolyPhen-2) suggests that this variant is likely to be tolerated. In summary, the available evidence is currently insufficient to determine the role of this variant in disease. Therefore, it has been classified as a Variant of Uncertain Significance.

NM_001291088.2(WDR87):c.2293A>G (p.Met765Val)

Gene: WDR87 (WD repeat domain 87; minus strand). Cytogenetic location: 19q13.13.
Variant type: single nucleotide variant.
Coding change: c.2293A>G on transcript NM_001291088.2 (MANE Select); coding-DNA position 2293, A replaced by G.
Protein change: p.Met765Val; replaces methionine 765 with valine.
Molecular consequence: missense variant.
Genome position (GRCh38, 1-based): chr19:37,893,410, T>C on the plus strand (A>G on the coding strand, the complement: WDR87 is on the minus strand). VCF-style: chr19-37893410-T-C. GRCh37 (hg19) VCF-style: chr19-38384050-T-C.
Other names: c.2176A>G, p.Met726Val (NM_031951.5); short protein forms M765V, M726V.
Identifiers: ClinVar variation 4713630 (VCV004713630.1).